The following is an entry in ClinVar:

NM_004415.4(DSP):c.795G>C (p.Arg265Ser)

Gene: DSP (desmoplakin; plus strand). Cytogenetic location: 6p24.3.
Variant type: single nucleotide variant.
Coding change: c.795G>C on transcript NM_004415.4 (MANE Select); coding-DNA position 795, G replaced by C.
Protein change: p.Arg265Ser; replaces arginine 265 with serine.
Molecular consequence: missense variant.
Genome position (GRCh38, 1-based): chr6:7,565,376, G>C. VCF-style: chr6-7565376-G-C. GRCh37 (hg19) VCF-style: chr6-7565609-G-C.
Other names: c.795G>C, p.Arg265Ser (NM_001008844.3, NM_001319034.2, NM_001406591.1); short protein forms R265S.
Identifiers: ClinVar variation 2936960 (VCV002936960.3), dbSNP rs2533872001, ClinGen allele CA362673998.

ClinVar aggregate classification (germline): Uncertain significance (1 of 4 stars; one submission).

Conditions:
Arrhythmogenic right ventricular dysplasia 8 (ARVD8). Also called: Arrhythmogenic Right Ventricular Dysplasia/Cardiomyopathy 8; ARRHYTHMOGENIC RIGHT VENTRICULAR DYSPLASIA, FAMILIAL, 8; ARRHYTHMOGENIC RIGHT VENTRICULAR CARDIOMYOPATHY 8. Identifiers: MedGen C1843896, MONDO:0011831, OMIM 607450.
Arrhythmogenic cardiomyopathy with wooly hair and keratoderma. Also called: PALMOPLANTAR KERATODERMA WITH LEFT VENTRICULAR CARDIOMYOPATHY AND WOOLLY HAIR; Carvajal syndrome; Dilated cardiomyopathy with woolly hair and keratoderma; Arrhythmogenic cardiomyopathy with woolly hair and keratoderma. Identifiers: Orphanet 65282, MedGen C1854063, MONDO:0011581, OMIM 605676.

gnomAD v4.1: 1 of 1,614,072 alleles (0.000062%); highest among the groups gnomAD compares: Non-Finnish European, 0.000085%; no homozygotes.

Submission:

Labcorp Genetics (formerly Invitae), Labcorp
Classification: Uncertain significance for Arrhythmogenic cardiomyopathy with wooly hair and keratoderma; Arrhythmogenic right ventricular dysplasia 8. Last evaluated: 2025-07-02. Review status: criteria provided, single submitter. Criteria: Invitae Variant Classification Sherloc (09022015). Collection method: clinical testing. Allele origin: germline.
Comment: This sequence change replaces arginine, which is basic and polar, with serine, which is neutral and polar, at codon 265 of the DSP protein (p.Arg265Ser). This variant is not present in population databases (gnomAD no frequency). This missense change has been observed in individual(s) with DSP-related conditions (PMID: 38383124). ClinVar contains an entry for this variant (Variation ID: 2936960). An algorithm developed to predict the effect of missense changes on protein structure and function (PolyPhen-2) suggests that this variant is likely to be disruptive. In summary, the available evidence is currently insufficient to determine the role of this variant in disease. Therefore, it has been classified as a Variant of Uncertain Significance.

Literature cited by the submitters: PubMed 38383124.